The following is an entry in ClinVar:

NM_022835.3(PLEKHG2):c.2173C>T (p.Pro725Ser)

Gene: PLEKHG2 (pleckstrin homology and RhoGEF domain containing G2; plus strand). Cytogenetic location: 19q13.2.
Variant type: single nucleotide variant.
Coding change: c.2173C>T on transcript NM_022835.3 (MANE Select); coding-DNA position 2173, C replaced by T.
Protein change: p.Pro725Ser; replaces proline 725 with serine.
Molecular consequence: missense variant. On other transcripts: intron variant (1).
Genome position (GRCh38, 1-based): chr19:39,423,227, C>T. VCF-style: chr19-39423227-C-T. GRCh37 (hg19) VCF-style: chr19-39913867-C-T.
Other names: c.1996C>T, p.Pro666Ser (NM_001351693.2); c.1677+939C>T (NM_001351694.2); short protein forms P666S, P725S.
Identifiers: ClinVar variation 2016802 (VCV002016802.4), dbSNP rs2514457041, ClinGen allele CA405797528.

ClinVar aggregate classification (germline): Uncertain significance (1 of 4 stars; one submission).

Allele frequency attached by ClinVar (database versions not stated): gnomAD exomes below 0.00001.
gnomAD v4.1: 3 of 1,613,414 alleles (0.00019%); highest among the groups gnomAD compares: Admixed American, 0.005%; no homozygotes.

Submission:

Labcorp Genetics (formerly Invitae), Labcorp
Classification: Uncertain significance. Last evaluated: 2022-07-13. Review status: criteria provided, single submitter. Criteria: Invitae Variant Classification Sherloc (09022015). Collection method: clinical testing. Allele origin: germline.
Comment: In summary, the available evidence is currently insufficient to determine the role of this variant in disease. Therefore, it has been classified as a Variant of Uncertain Significance. Algorithms developed to predict the effect of missense changes on protein structure and function output the following: SIFT: "Tolerated"; PolyPhen-2: "Benign"; Align-GVGD: "Class C0". The serine amino acid residue is found in multiple mammalian species, which suggests that this missense change does not adversely affect protein function. This variant has not been reported in the literature in individuals affected with PLEKHG2-related conditions. This variant is not present in population databases (gnomAD no frequency). This sequence change replaces proline, which is neutral and non-polar, with serine, which is neutral and polar, at codon 725 of the PLEKHG2 protein (p.Pro725Ser).